The following is an entry in ClinVar:

NM_000038.6(APC):c.1901G>T (p.Ser634Ile)

Gene: APC (APC regulator of Wnt signaling pathway; plus strand). Cytogenetic location: 5q22.2.
Variant type: single nucleotide variant.
Coding change: c.1901G>T on transcript NM_000038.6 (MANE Select); coding-DNA position 1901, G replaced by T.
Protein change: p.Ser634Ile; replaces serine 634 with isoleucine.
Molecular consequence: missense variant. On other transcripts: non-coding transcript variant (2).
Genome position (GRCh38, 1-based): chr5:112,835,108, G>T. VCF-style: chr5-112835108-G-T. GRCh37 (hg19) VCF-style: chr5-112170805-G-T.
Other names: c.1652G>T, p.Ser551Ile (NM_001407457.1, NM_001407456.1, NM_001407454.1 and 1 more transcripts); c.1598G>T, p.Ser533Ile (NM_001407458.1, NM_001407459.1, NM_001354903.2 and 1 more transcripts); c.1955G>T, p.Ser652Ile (NM_001407447.1, NM_001407448.1, NM_001407449.1 and 1 more transcripts); c.1901G>T, p.Ser634Ile (NM_001407450.1, NM_001127510.3, NM_001354895.2); c.1880G>T, p.Ser627Ile (NM_001407451.1); c.1871G>T, p.Ser624Ile (NM_001407452.1); c.1724G>T, p.Ser575Ile (NM_001407453.1, NM_001354901.2); c.1847G>T, p.Ser616Ile (NM_001127511.3); and 11 more; short protein forms S474I, S543I, S551I, S593I, S505I, S606I, S616I, S627I.
Identifiers: ClinVar variation 3304512 (VCV003304512.1).

ClinVar aggregate classification (germline): Uncertain significance (1 of 4 stars; one submission).

Conditions:
Hereditary cancer-predisposing syndrome. Also called: Tumor predisposition; Hereditary Cancer Syndrome; Hereditary neoplastic syndrome; Neoplastic Syndromes, Hereditary. Identifiers: Orphanet 140162, MedGen C0027672, MeSH D009386, MONDO:0015356.

Submission:

Ambry Genetics
Classification: Uncertain significance for Hereditary cancer-predisposing syndrome. Last evaluated: 2024-05-29. Review status: criteria provided, single submitter. Criteria: Ambry Variant Classification Scheme 2023. Collection method: clinical testing. Allele origin: germline.
Comment: The p.S634I variant (also known as c.1901G>T), located in coding exon 14 of the APC gene, results from a G to T substitution at nucleotide position 1901. The serine at codon 634 is replaced by isoleucine, an amino acid with dissimilar properties. This amino acid position is highly conserved in available vertebrate species. In addition, in silico predictors for this gene do not accurately predict pathogenicity. Based on the available evidence, the clinical significance of this variant remains unclear.